The following is an entry in ClinVar:

ClinVar aggregate classification (germline): Pathogenic (1 of 4 stars; one submission).

Conditions:
Combined immunodeficiency due to LRBA deficiency. Also called: Common variable immunodeficiency 8, with autoimmunity. Identifiers: Orphanet 445018, MedGen C3553512, MONDO:0013863, OMIM 614700.

Submission:

Labcorp Genetics (formerly Invitae), Labcorp
Classification: Pathogenic for Combined immunodeficiency due to LRBA deficiency. Last evaluated: 2020-05-21. Review status: criteria provided, single submitter. Criteria: Invitae Variant Classification Sherloc (09022015). Collection method: clinical testing. Allele origin: germline.
Comment: This sequence change creates a premature translational stop signal (p.Trp2314*) in the LRBA gene. It is expected to result in an absent or disrupted protein product. This variant is not present in population databases (ExAC no frequency). For these reasons, this variant has been classified as Pathogenic. Loss-of-function variants in LRBA are known to be pathogenic (PMID: 26206937, 26768763). This variant has not been reported in the literature in individuals with LRBA-related conditions.

Literature cited by the submitters: PubMed 26206937; PubMed 26768763.

NM_001364905.1(LRBA):c.6909G>A (p.Trp2303Ter)

Gene: LRBA (LPS responsive beige-like anchor protein; minus strand). Cytogenetic location: 4q31.3.
Variant type: single nucleotide variant.
Coding change: c.6909G>A on transcript NM_001364905.1 (MANE Select); coding-DNA position 6909, G replaced by A.
Protein change: p.Trp2303Ter; replaces tryptophan 2303 with a stop codon.
Molecular consequence: nonsense.
Genome position (GRCh38, 1-based): chr4:150,436,736, C>T on the plus strand (G>A on the coding strand, the complement: LRBA is on the minus strand). VCF-style: chr4-150436736-C-T. GRCh37 (hg19) VCF-style: chr4-151357888-C-T.
Other names: c.6909G>A, p.Trp2303Ter (NM_001199282.3, NM_001367550.1); c.6942G>A, p.Trp2314Ter (NM_006726.5); short protein forms W2303*, W2314*.
Identifiers: ClinVar variation 1072644 (VCV001072644.7), dbSNP rs2151995373, ClinGen allele CA358600292.